The following is an entry in ClinVar:

ClinVar aggregate classification (germline): Conflicting classifications of pathogenicity. Review status: criteria provided, conflicting classifications (1 of 4 stars). 2 submissions from 2 submitters: Uncertain significance (1); Likely benign (1). Last evaluated 2024-10-31.

Conditions:
Myofibrillar myopathy 3 (MFM3). Also called: Muscular dystrophy, proximal, type 1A; Autosomal dominant spheroid body myopathy. Identifiers: Orphanet 266, Orphanet 268129, MedGen C3714934, MONDO:0012215, OMIM 609200.

Submissions (2):

Labcorp Genetics (formerly Invitae), Labcorp
Classification: Uncertain significance for Myofibrillar myopathy 3. Last evaluated: 2024-10-31. Review status: criteria provided, single submitter. Criteria: Invitae Variant Classification Sherloc (09022015). Collection method: clinical testing. Allele origin: germline.
Comment: This sequence change replaces serine, which is neutral and polar, with asparagine, which is neutral and polar, at codon 495 of the MYOT protein (p.Ser495Asn). This variant is present in population databases (rs201759734, gnomAD 0.02%). This variant has not been reported in the literature in individuals affected with MYOT-related conditions. An algorithm developed to predict the effect of missense changes on protein structure and function (PolyPhen-2) suggests that this variant is likely to be disruptive. In summary, the available evidence is currently insufficient to determine the role of this variant in disease. Therefore, it has been classified as a Variant of Uncertain Significance.

Blueprint Genetics
Classification: Likely benign. Last evaluated: 2022-06-20. Review status: criteria provided, single submitter. Criteria: ACMG Guidelines, 2015. Collection method: clinical testing. Allele origin: germline.

NM_006790.3(MYOT):c.1484G>A (p.Ser495Asn)

Genes: MYOT (myotilin; plus strand), PKD2L2-DT (PKD2L2 divergent transcript; minus strand). Cytogenetic location: 5q31.2.
Variant type: single nucleotide variant.
Coding change: c.1484G>A on transcript NM_006790.3 (MANE Select); coding-DNA position 1484, G replaced by A.
Protein change: p.Ser495Asn; replaces serine 495 with asparagine.
Molecular consequence: missense variant.
Genome position (GRCh38, 1-based): chr5:137,887,372, G>A. VCF-style: chr5-137887372-G-A. GRCh37 (hg19) VCF-style: chr5-137223061-G-A.
Other names: c.932G>A, p.Ser311Asn (NM_001135940.2); c.1139G>A, p.Ser380Asn (NM_001300911.2); short protein forms S311N, S380N, S495N.
Identifiers: ClinVar variation 3616965 (VCV003616965.3).